The following is an entry in ClinVar:

ClinVar aggregate classification (germline): Uncertain significance (1 of 4 stars; one submission).

Conditions:
Tietz syndrome (TADS). Also called: HYPOPIGMENTATION/DEAFNESS OF TIETZ; TIETZ ALBINISM-DEAFNESS SYNDROME; ALBINISM-DEAFNESS OF TIETZ. Identifiers: Orphanet 42665, MedGen C0391816, MONDO:0007077, OMIM 103500.
Waardenburg syndrome type 2A (WS2A). Also called: WAARDENBURG SYNDROME WITHOUT DYSTOPIA CANTHORUM. Identifiers: Orphanet 3440, MedGen C1860339, MONDO:0008671, OMIM 193510.
Melanoma, cutaneous malignant, susceptibility to, 8. Also called: MELANOMA AND RENAL CELL CARCINOMA, SUSCEPTIBILITY TO; Cutaneous malignant melanoma 8. Identifiers: Orphanet 293822, MedGen C3152204, MONDO:0013759, OMIM 614456.

Submission:

Labcorp Genetics (formerly Invitae), Labcorp
Classification: Uncertain significance for Melanoma, cutaneous malignant, susceptibility to, 8; Waardenburg syndrome type 2A; Tietz syndrome. Last evaluated: 2025-02-09. Review status: criteria provided, single submitter. Criteria: Invitae Variant Classification Sherloc (09022015). Collection method: clinical testing. Allele origin: germline.
Comment: This sequence change replaces glutamic acid, which is acidic and polar, with aspartic acid, which is acidic and polar, at codon 184 of the MITF protein (p.Glu184Asp). This variant is not present in population databases (gnomAD no frequency). This variant has not been reported in the literature in individuals affected with MITF-related conditions. Invitae Evidence Modeling of protein sequence and biophysical properties (such as structural, functional, and spatial information, amino acid conservation, physicochemical variation, residue mobility, and thermodynamic stability) indicates that this missense variant is expected to disrupt MITF protein function with a positive predictive value of 80%. In summary, the available evidence is currently insufficient to determine the role of this variant in disease. Therefore, it has been classified as a Variant of Uncertain Significance.

NM_001354604.2(MITF):c.873G>T (p.Glu291Asp)

Gene: MITF (melanocyte inducing transcription factor; plus strand). Cytogenetic location: 3p13.
Variant type: single nucleotide variant.
Coding change: c.873G>T on transcript NM_001354604.2 (MANE Select); coding-DNA position 873, G replaced by T.
Protein change: p.Glu291Asp; replaces glutamic acid 291 with aspartic acid.
Molecular consequence: missense variant.
Genome position (GRCh38, 1-based): chr3:69,949,161, G>T. VCF-style: chr3-69949161-G-T. GRCh37 (hg19) VCF-style: chr3-69998312-G-T.
Other names: c.552G>T, p.Glu184Asp (NM_000248.4, NM_198158.3); c.717G>T, p.Glu239Asp (NM_001184967.2, NM_001354608.2); c.870G>T, p.Glu290Asp (NM_001354605.2, NM_001354606.2, NM_006722.3); c.822G>T, p.Glu274Asp (NM_001354607.2); c.873G>T, p.Glu291Asp (NM_198159.3); c.825G>T, p.Glu275Asp (NM_198177.3); c.384G>T, p.Glu128Asp (NM_198178.3); short protein forms E128D, E184D, E239D, E274D, E275D, E290D, E291D.
Identifiers: ClinVar variation 3750566 (VCV003750566.2).